The following is an entry in ClinVar:

NM_001365088.1(SLC12A6):c.1922T>C (p.Leu641Pro)

Gene: SLC12A6 (solute carrier family 12 member 6; minus strand). Cytogenetic location: 15q14.
Variant type: single nucleotide variant.
Coding change: c.1922T>C on transcript NM_001365088.1 (MANE Select); coding-DNA position 1922, T replaced by C.
Protein change: p.Leu641Pro; replaces leucine 641 with proline.
Molecular consequence: missense variant.
Genome position (GRCh38, 1-based): chr15:34,245,306, A>G on the plus strand (T>C on the coding strand, the complement: SLC12A6 is on the minus strand). VCF-style: chr15-34245306-A-G. GRCh37 (hg19) VCF-style: chr15-34537507-A-G.
Other names: c.1745T>C, p.Leu582Pro (NM_001042494.2, NM_001042495.2); c.1895T>C, p.Leu632Pro (NM_001042496.2); c.1877T>C, p.Leu626Pro (NM_001042497.2); c.1769T>C, p.Leu590Pro (NM_005135.2); c.1922T>C, p.Leu641Pro (NM_133647.2); short protein forms L641P, L582P, L632P, L590P, L626P.
Identifiers: ClinVar variation 2912169 (VCV002912169.3), dbSNP rs2509779995, ClinGen allele CA391620742.

ClinVar aggregate classification (germline): Uncertain significance (1 of 4 stars; one submission).

Submission:

Labcorp Genetics (formerly Invitae), Labcorp
Classification: Uncertain significance. Last evaluated: 2023-04-26. Review status: criteria provided, single submitter. Criteria: Invitae Variant Classification Sherloc (09022015). Collection method: clinical testing. Allele origin: germline.
Comment: Advanced modeling of protein sequence and biophysical properties (such as structural, functional, and spatial information, amino acid conservation, physicochemical variation, residue mobility, and thermodynamic stability) performed at Invitae indicates that this missense variant is not expected to disrupt SLC12A6 protein function. In summary, the available evidence is currently insufficient to determine the role of this variant in disease. Therefore, it has been classified as a Variant of Uncertain Significance. This variant has not been reported in the literature in individuals affected with SLC12A6-related conditions. This variant is not present in population databases (gnomAD no frequency). This sequence change replaces leucine, which is neutral and non-polar, with proline, which is neutral and non-polar, at codon 641 of the SLC12A6 protein (p.Leu641Pro).